The following is an entry in ClinVar:

NM_000152.5(GAA):c.2011_2012del (p.Met671fs)

Gene: GAA (alpha glucosidase; plus strand). Cytogenetic location: 17q25.3.
Variant type: Deletion.
Coding change: c.2011_2012del on transcript NM_000152.5 (MANE Select); coding-DNA positions 2011 to 2012, 2 bases deleted (AT; older notation c.2011_2012delAT).
Protein change: p.Met671fs; shifts the reading frame from methionine 671.
Molecular consequence: frameshift variant.
Genome position (GRCh38, 1-based): chr17:80,112,998-80,112,999, AT deleted. VCF-style (leftmost placement, unchanged base first): chr17-80112997-CAT-C. GRCh37 (hg19) VCF-style: chr17-78086796-CAT-C.
Other names: c.2011_2012del, p.Met671fs (NM_001079803.3, NM_001079804.3, NM_001406741.1 and 1 more transcripts); short protein forms M671fs.
Identifiers: ClinVar variation 4876606 (VCV004876606.1).

ClinVar aggregate classification (germline): Pathogenic (1 of 4 stars; one submission).

Conditions:
Glycogen storage disease, type II (IOPD). Also called: Pompe Disease; CARDIOMEGALIA GLYCOGENICA DIFFUSA; GLYCOGENOSIS, GENERALIZED, CARDIAC FORM; GSD II; POMPE DISEASE, INFANTILE-ONSET; GLYCOGEN STORAGE DISEASE II, INFANTILE-ONSET. Identifiers: Orphanet 365, MedGen C0017921, MONDO:0009290, OMIM 232300.

Submission:

Genomenon, Inc
Classification: Pathogenic for Glycogen storage disease, type II. Last evaluated: 2026-07-01. Review status: criteria provided, single submitter. Criteria: Genomenon Sequence Variant Interpretation Standards - Updated. Collection method: curation. Allele origin: germline. Affected: yes.
Comment: GAA p.Met671AlafsTer65 (c.2011_2012del) is a frameshift variant that is predicted to introduce a premature termination codon and result in a truncated or absent protein product. This variant has been observed in at least one proband with a GAA-related disorder (PMID:32504392). It is absent or not present at a significant frequency in gnomAD. In conclusion, we classify GAA p.Met671AlafsTer65 (c.2011_2012del) as a pathogenic variant.

Literature cited by the submitters: PubMed 32504392.